The following is an entry in ClinVar:

ClinVar aggregate classification (germline): Uncertain significance. Review status: criteria provided, multiple submitters, no conflicts (2 of 4 stars). 2 submissions from 2 submitters: Uncertain significance (2). Last evaluated 2023-04-17.

Conditions:
Hereditary cancer-predisposing syndrome. Also called: Neoplastic Syndromes, Hereditary; Tumor predisposition; Hereditary Cancer Syndrome; Hereditary neoplastic syndrome. Identifiers: Orphanet 140162, MedGen C0027672, MeSH D009386, MONDO:0015356.
Gastrointestinal stromal tumor. Also called: Gastrointestinal stromal tumor, somatic; Gastrointestinal stroma tumor. Identifiers: Orphanet 44890, MedGen C0238198, MeSH D046152, MONDO:0011719, OMIM 606764, HP:0100723.

Allele frequency attached by ClinVar (database versions not stated): gnomAD exomes below 0.00001.

Submissions (2):

Labcorp Genetics (formerly Invitae), Labcorp
Classification: Uncertain significance for Gastrointestinal stromal tumor. Last evaluated: 2023-04-17. Review status: criteria provided, single submitter. Criteria: Invitae Variant Classification Sherloc (09022015). Collection method: clinical testing. Allele origin: germline.
Comment: This variant has not been reported in the literature in individuals affected with PDGFRA-related conditions. ClinVar contains an entry for this variant (Variation ID: 656375). Advanced modeling of protein sequence and biophysical properties (such as structural, functional, and spatial information, amino acid conservation, physicochemical variation, residue mobility, and thermodynamic stability) performed at Invitae indicates that this missense variant is not expected to disrupt PDGFRA protein function. In summary, the available evidence is currently insufficient to determine the role of this variant in disease. Therefore, it has been classified as a Variant of Uncertain Significance. This variant is not present in population databases (gnomAD no frequency). This sequence change replaces alanine, which is neutral and non-polar, with valine, which is neutral and non-polar, at codon 498 of the PDGFRA protein (p.Ala498Val).

Ambry Genetics
Classification: Uncertain significance for Hereditary cancer-predisposing syndrome. Last evaluated: 2023-02-12. Review status: criteria provided, single submitter. Criteria: Ambry Variant Classification Scheme 2023. Collection method: clinical testing. Allele origin: germline.
Comment: The p.A498V variant (also known as c.1493C>T), located in coding exon 9 of the PDGFRA gene, results from a C to T substitution at nucleotide position 1493. The alanine at codon 498 is replaced by valine, an amino acid with similar properties. This amino acid position is conserved. In addition, the in silico prediction for this alteration is inconclusive. Since supporting evidence is limited at this time, the clinical significance of this alteration remains unclear.

NM_006206.6(PDGFRA):c.1493C>T (p.Ala498Val)

Gene: PDGFRA (platelet derived growth factor receptor alpha; plus strand). Cytogenetic location: 4q12.
Variant type: single nucleotide variant.
Coding change: c.1493C>T on transcript NM_006206.6 (MANE Select); coding-DNA position 1493, C replaced by T.
Protein change: p.Ala498Val; replaces alanine 498 with valine.
Molecular consequence: missense variant.
Genome position (GRCh38, 1-based): chr4:54,273,665, C>T. VCF-style: chr4-54273665-C-T. GRCh37 (hg19) VCF-style: chr4-55139832-C-T.
Other names: c.1493C>T, p.Ala498Val (NM_001347827.2, NM_001347829.2); c.1568C>T, p.Ala523Val (NM_001347828.2); c.1532C>T, p.Ala511Val (NM_001347830.2); short protein forms A511V, A523V, A498V.
Identifiers: ClinVar variation 656375 (VCV000656375.11), dbSNP rs1577724518, ClinGen allele CA356892681.